The following is an entry in ClinVar:

ClinVar aggregate classification (germline): Pathogenic (1 of 4 stars; one submission).

Conditions:
Neurofibromatosis, type 1 (NF1). Also called: NEUROFIBROMATOSIS, TYPE I, SOMATIC; Peripheral type neurofibromatosis; VON RECKLINGHAUSEN DISEASE; Neurofibromatosis, type I. Identifiers: Orphanet 636, MedGen C0027831, MONDO:0018975, OMIM 162200. Disease mechanism: loss of function.

Submission:

Labcorp Genetics (formerly Invitae), Labcorp
Classification: Pathogenic for Neurofibromatosis, type 1. Last evaluated: 2024-03-16. Review status: criteria provided, single submitter. Criteria: Invitae Variant Classification Sherloc (09022015). Collection method: clinical testing. Allele origin: germline.
Comment: This sequence change creates a premature translational stop signal (p.Cys1117Glnfs*2) in the NF1 gene. It is expected to result in an absent or disrupted protein product. Loss-of-function variants in NF1 are known to be pathogenic (PMID: 10712197, 23913538). This variant is not present in population databases (gnomAD no frequency). This variant has not been reported in the literature in individuals affected with NF1-related conditions. Algorithms developed to predict the effect of sequence changes on RNA splicing suggest that this variant may disrupt the consensus splice site. For these reasons, this variant has been classified as Pathogenic.

Literature cited by the submitters: PubMed 10712197; PubMed 23913538.

NM_001042492.3(NF1):c.3349_3350del (p.Cys1117fs)

Gene: NF1 (neurofibromin 1; plus strand). Cytogenetic location: 17q11.2.
Variant type: Deletion.
Coding change: c.3349_3350del on transcript NM_001042492.3 (MANE Select); coding-DNA positions 3349 to 3350, 2 bases deleted (TG; older notation c.3349_3350delTG).
Protein change: p.Cys1117fs; shifts the reading frame from cysteine 1117.
Molecular consequence: frameshift variant.
Genome position (GRCh38, 1-based): chr17:31,232,734-31,232,735, TG deleted. VCF-style (leftmost placement, unchanged base first): chr17-31232733-CTG-C. GRCh37 (hg19) VCF-style: chr17-29559751-CTG-C.
Other names: c.3349_3350delTG, p.Cys1117Glnfs (NM_000267.4); short protein forms C1117fs.
Identifiers: ClinVar variation 2814193 (VCV002814193.3), dbSNP rs2508230803, ClinGen allele CA2739267369.
Genomic context (GRCh38, chr17:31,232,733, plus strand): 5'-GTAAAGGTCAGTCTTTTTATTTCTCAGATACTTCACATTATTTATGAACCTTTTGAATGA[CTG>C]CAGTGAAGTTGAAGATGAAAGTGCGCAAACAGGTGGCAGGAAACGTGGCATGTCTCGGAG-3'